The following is an entry in ClinVar:

ClinVar aggregate classification (germline): Likely pathogenic. Review status: criteria provided, multiple submitters, no conflicts (2 of 4 stars). 2 submissions from 2 submitters: Likely pathogenic (2). Last evaluated 2022-12-08.

Conditions:
TULP1-related disorder. Also called: TULP1-related condition; TULP1-related disorders.

Submissions (2):

Labcorp Genetics (formerly Invitae), Labcorp
Classification: Likely pathogenic. Last evaluated: 2022-12-08. Review status: criteria provided, single submitter. Criteria: Invitae Variant Classification Sherloc (09022015). Collection method: clinical testing. Allele origin: germline.
Comment: This sequence change affects a donor splice site in intron 11 of the TULP1 gene. It is expected to disrupt RNA splicing. Variants that disrupt the donor or acceptor splice site typically lead to a loss of protein function (PMID: 16199547), and loss-of-function variants in TULP1 are known to be pathogenic (PMID: 8606774, 10549638, 15024725, 18055821). This variant is not present in population databases (gnomAD no frequency). This variant has not been reported in the literature in individuals affected with TULP1-related conditions. Algorithms developed to predict the effect of sequence changes on RNA splicing suggest that this variant may disrupt the consensus splice site. In summary, the currently available evidence indicates that the variant is pathogenic, but additional data are needed to prove that conclusively. Therefore, this variant has been classified as Likely Pathogenic.

Blueprint Genetics
Classification: Likely pathogenic for TULP1-related disorders. Last evaluated: 2022-09-30. Review status: criteria provided, single submitter. Criteria: ACMG Guidelines, 2015. Collection method: clinical testing. Allele origin: germline. Affected: yes. Observed: 1 variant allele.

Literature cited by the submitters: PubMed 16199547 (cited by Labcorp Genetics (formerly Invitae), Labcorp); PubMed 8606774 (cited by Labcorp Genetics (formerly Invitae), Labcorp); PubMed 10549638 (cited by Labcorp Genetics (formerly Invitae), Labcorp); PubMed 15024725 (cited by Labcorp Genetics (formerly Invitae), Labcorp); PubMed 18055821 (cited by Labcorp Genetics (formerly Invitae), Labcorp).

NM_003322.6(TULP1):c.1112+1G>A

Gene: TULP1 (TUB like protein 1; minus strand). Cytogenetic location: 6p21.31.
Variant type: single nucleotide variant.
Coding change: c.1112+1G>A on transcript NM_003322.6 (MANE Select); the canonical splice donor site of the intron after coding-DNA position 1112, G replaced by A.
Molecular consequence: splice donor variant.
Genome position (GRCh38, 1-based): chr6:35,505,740, C>T on the plus strand (G>A on the coding strand, the complement: TULP1 is on the minus strand). VCF-style: chr6-35505740-C-T. GRCh37 (hg19) VCF-style: chr6-35473517-C-T.
Other names: c.953+1G>A (NM_001289395.2).
Identifiers: ClinVar variation 2819501 (VCV002819501.4), dbSNP rs2533794465, ClinGen allele CA363779553.
Genomic context (GRCh38, chr6:35,505,740, plus strand): 5'-ATGACGGGCTATGGCCTTTTGCTGACCCAAGTCCCCCCAGCCCCAGGAAGCCCAGCCCCA[C>T]CTCAGCTTCCCGATGAAATTCTCCCCTCCTCGGGACAGATTGGTAGGGTCGATGGAGATG-3'